The following is an entry in ClinVar:

NM_001267550.2(TTN):c.72873del (p.His24291fs)

Genes: TTN-AS1 (TTN antisense RNA 1; plus strand), TTN (titin; minus strand). Cytogenetic location: 2q31.2.
Variant type: Deletion.
Coding change: c.72873del on transcript NM_001267550.2 (MANE Select); coding-DNA position 72873, one base deleted (T; older notation c.72873delT).
Protein change: p.His24291fs; shifts the reading frame from histidine 24291.
Molecular consequence: frameshift variant.
Genome position (GRCh38, 1-based): chr2:178,573,259, A deleted on the plus strand (T on the coding strand, the reverse complement: TTN is on the minus strand). VCF-style (leftmost placement, unchanged base first): chr2-178573258-CA-C. GRCh37 (hg19) VCF-style: chr2-179437985-CA-C.
Other names: c.67950del, p.His22650fs (NM_001256850.1); c.45678del, p.His15226fs (NM_003319.4); c.65169del, p.His21723fs (NM_133378.4); c.46053del, p.His15351fs (NM_133432.3); c.46254del, p.His15418fs (NM_133437.4); c.72873delT (NM_001267550.2); short protein forms H15226fs, H15351fs, H21723fs, H15418fs, H22650fs, H24291fs.
Identifiers: ClinVar variation 648053 (VCV000648053.11), dbSNP rs1575772360, ClinGen allele CA915942150.

ClinVar aggregate classification (germline): Likely pathogenic (1 of 4 stars; one submission).

Conditions:
Dilated cardiomyopathy 1G (CMD1G). Identifiers: Orphanet 154, MedGen C1858763, MONDO:0011400, OMIM 604145.
Autosomal recessive limb-girdle muscular dystrophy type 2J (LGMDR10). Also called: Limb-girdle muscular dystrophy, type 2J; MUSCULAR DYSTROPHY, LIMB-GIRDLE, AUTOSOMAL RECESSIVE 10. Identifiers: Orphanet 140922, MedGen C1837342, MONDO:0012127, OMIM 608807.

Submission:

Labcorp Genetics (formerly Invitae), Labcorp
Classification: Likely pathogenic for Dilated cardiomyopathy 1G; Autosomal recessive limb-girdle muscular dystrophy type 2J. Last evaluated: 2019-06-28. Review status: criteria provided, single submitter. Criteria: Invitae Variant Classification Sherloc (09022015). Collection method: clinical testing. Allele origin: germline.
Comment: This sequence change results in a premature translational stop signal in the TTN gene (p.His24291Glnfs*112). While this is not anticipated to result in nonsense mediated decay, it is expected to create a truncated TTN protein. This variant is not present in population databases (ExAC no frequency). This variant has not been reported in the literature in individuals with TTN-related disease. This variant is located in the A band of TTN (PMID: 25589632). Truncating variants in this region are significantly overrepresented in patients affected with dilated cardiomyopathy (PMID: 25589632). Truncating variants in this region have also been reported in individuals affected with autosomal recessive centronuclear myopathy (PMID: 23975875). In summary, the currently available evidence indicates that the variant is pathogenic, but additional data are needed to prove that conclusively. Therefore, this variant has been classified as Likely Pathogenic.

Literature cited by the submitters: PubMed 25589632; PubMed 23975875.